The following is an entry in ClinVar:

ClinVar aggregate classification (germline): Uncertain significance (1 of 4 stars; one submission).

Submission:

Labcorp Genetics (formerly Invitae), Labcorp
Classification: Uncertain significance. Last evaluated: 2025-11-07. Review status: criteria provided, single submitter. Criteria: Invitae Variant Classification Sherloc (09022015). Collection method: clinical testing. Allele origin: germline.
Comment: This sequence change replaces histidine, which is basic and polar, with arginine, which is basic and polar, at codon 606 of the TMC1 protein (p.His606Arg). This variant is not present in population databases (gnomAD no frequency). This variant has not been reported in the literature in individuals affected with TMC1-related conditions. Invitae Evidence Modeling of protein sequence and biophysical properties (such as structural, functional, and spatial information, amino acid conservation, physicochemical variation, residue mobility, and thermodynamic stability) indicates that this missense variant is not expected to disrupt TMC1 protein function with a negative predictive value of 80%. In summary, the available evidence is currently insufficient to determine the role of this variant in disease. Therefore, it has been classified as a Variant of Uncertain Significance.

NM_138691.3(TMC1):c.1817A>G (p.His606Arg)

Gene: TMC1 (transmembrane channel like 1; plus strand). Cytogenetic location: 9q21.13.
Variant type: single nucleotide variant.
Coding change: c.1817A>G on transcript NM_138691.3 (MANE Select); coding-DNA position 1817, A replaced by G.
Protein change: p.His606Arg; replaces histidine 606 with arginine.
Molecular consequence: missense variant.
Genome position (GRCh38, 1-based): chr9:72,820,895, A>G. VCF-style: chr9-72820895-A-G. GRCh37 (hg19) VCF-style: chr9-75435811-A-G.
Other names: short protein forms H606R.
Identifiers: ClinVar variation 4801783 (VCV004801783.1).